The following continues an entry in ClinVar:

NM_004577.4(PSPH):c.95A>G (p.Asp32Gly)

Gene: PSPH. ClinVar aggregate classification (germline): Benign/Likely benign. Benign (2); Likely benign (2).

Submissions 32 to 55 of 55:

Dr. Peter K. Rogan Lab, Western University
No classification provided (evidence only). Condition: Uveal melanoma. Review status: no classification provided. Collection method: in vitro. Allele origin: not applicable. Functional consequence: retained intron. Not counted in ClinVar's aggregate classification.

Dr. Peter K. Rogan Lab, Western University
No classification provided (evidence only). Condition: Uveal melanoma. Review status: no classification provided. Collection method: in vitro. Allele origin: not applicable. Functional consequence: retained intron. Not counted in ClinVar's aggregate classification.

Dr. Peter K. Rogan Lab, Western University
No classification provided (evidence only). Condition: Uveal melanoma. Review status: no classification provided. Collection method: in vitro. Allele origin: not applicable. Functional consequence: retained intron. Not counted in ClinVar's aggregate classification.

Dr. Peter K. Rogan Lab, Western University
No classification provided (evidence only). Condition: Chronic lymphocytic leukemia/small lymphocytic lymphoma. Review status: no classification provided. Collection method: in vitro. Allele origin: not applicable. Functional consequence: retained intron. Not counted in ClinVar's aggregate classification.

Dr. Peter K. Rogan Lab, Western University
No classification provided (evidence only). Condition: Chronic lymphocytic leukemia/small lymphocytic lymphoma. Review status: no classification provided. Collection method: in vitro. Allele origin: not applicable. Functional consequence: retained intron. Not counted in ClinVar's aggregate classification.

Dr. Peter K. Rogan Lab, Western University
No classification provided (evidence only). Condition: Nonpapillary renal cell carcinoma. Review status: no classification provided. Collection method: in vitro. Allele origin: not applicable. Functional consequence: retained intron. Not counted in ClinVar's aggregate classification.

Dr. Peter K. Rogan Lab, Western University
No classification provided (evidence only). Condition: Nonpapillary renal cell carcinoma. Review status: no classification provided. Collection method: in vitro. Allele origin: not applicable. Functional consequence: retained intron. Not counted in ClinVar's aggregate classification.

Dr. Peter K. Rogan Lab, Western University
No classification provided (evidence only). Condition: Nonpapillary renal cell carcinoma. Review status: no classification provided. Collection method: in vitro. Allele origin: not applicable. Functional consequence: retained intron. Not counted in ClinVar's aggregate classification.

Dr. Peter K. Rogan Lab, Western University
No classification provided (evidence only). Condition: Nonpapillary renal cell carcinoma. Review status: no classification provided. Collection method: in vitro. Allele origin: not applicable. Functional consequence: retained intron. Not counted in ClinVar's aggregate classification.

Dr. Peter K. Rogan Lab, Western University
No classification provided (evidence only). Condition: Nonpapillary renal cell carcinoma. Review status: no classification provided. Collection method: in vitro. Allele origin: not applicable. Functional consequence: retained intron. Not counted in ClinVar's aggregate classification.

Dr. Peter K. Rogan Lab, Western University
No classification provided (evidence only). Condition: Nonpapillary renal cell carcinoma. Review status: no classification provided. Collection method: in vitro. Allele origin: not applicable. Functional consequence: retained intron. Not counted in ClinVar's aggregate classification.

Dr. Peter K. Rogan Lab, Western University
No classification provided (evidence only). Condition: Familial pancreatic carcinoma. Review status: no classification provided. Collection method: in vitro. Allele origin: not applicable. Functional consequence: retained intron. Not counted in ClinVar's aggregate classification.

Dr. Peter K. Rogan Lab, Western University
No classification provided (evidence only). Condition: Familial pancreatic carcinoma. Review status: no classification provided. Collection method: in vitro. Allele origin: not applicable. Functional consequence: retained intron. Not counted in ClinVar's aggregate classification.

Dr. Peter K. Rogan Lab, Western University
No classification provided (evidence only). Condition: Familial pancreatic carcinoma. Review status: no classification provided. Collection method: in vitro. Allele origin: not applicable. Functional consequence: retained intron. Not counted in ClinVar's aggregate classification.

Dr. Peter K. Rogan Lab, Western University
No classification provided (evidence only). Condition: Familial pancreatic carcinoma. Review status: no classification provided. Collection method: in vitro. Allele origin: not applicable. Functional consequence: retained intron. Not counted in ClinVar's aggregate classification.

Dr. Peter K. Rogan Lab, Western University
No classification provided (evidence only). Condition: Familial pancreatic carcinoma. Review status: no classification provided. Collection method: in vitro. Allele origin: not applicable. Functional consequence: retained intron. Not counted in ClinVar's aggregate classification.

Dr. Peter K. Rogan Lab, Western University
No classification provided (evidence only). Condition: Lymphoma. Review status: no classification provided. Collection method: in vitro. Allele origin: not applicable. Functional consequence: retained intron. Not counted in ClinVar's aggregate classification.

Dr. Peter K. Rogan Lab, Western University
No classification provided (evidence only). Condition: Lymphoma. Review status: no classification provided. Collection method: in vitro. Allele origin: not applicable. Functional consequence: retained intron. Not counted in ClinVar's aggregate classification.

Dr. Peter K. Rogan Lab, Western University
No classification provided (evidence only). Condition: Ovarian cancer. Review status: no classification provided. Collection method: in vitro. Allele origin: not applicable. Functional consequence: retained intron. Not counted in ClinVar's aggregate classification.

Dr. Peter K. Rogan Lab, Western University
No classification provided (evidence only). Condition: Ovarian cancer. Review status: no classification provided. Collection method: in vitro. Allele origin: not applicable. Functional consequence: retained intron. Not counted in ClinVar's aggregate classification.

Dr. Peter K. Rogan Lab, Western University
No classification provided (evidence only). Condition: Ovarian cancer. Review status: no classification provided. Collection method: in vitro. Allele origin: not applicable. Functional consequence: retained intron. Not counted in ClinVar's aggregate classification.

Dr. Peter K. Rogan Lab, Western University
No classification provided (evidence only). Condition: Ovarian cancer. Review status: no classification provided. Collection method: in vitro. Allele origin: not applicable. Functional consequence: retained intron. Not counted in ClinVar's aggregate classification.

Dr. Peter K. Rogan Lab, Western University
No classification provided (evidence only). Condition: Ovarian cancer. Review status: no classification provided. Collection method: in vitro. Allele origin: not applicable. Functional consequence: retained intron. Not counted in ClinVar's aggregate classification.

Dr. Peter K. Rogan Lab, Western University
No classification provided (evidence only). Condition: Ovarian cancer. Review status: no classification provided. Collection method: in vitro. Allele origin: not applicable. Functional consequence: retained intron. Not counted in ClinVar's aggregate classification.